The following is an entry in ClinVar:

ClinVar aggregate classification (germline): Conflicting classifications of pathogenicity. Review status: criteria provided, conflicting classifications (1 of 4 stars). 11 submissions from 11 submitters: Uncertain significance (1); Benign (4); Likely benign (4). 2 of the submissions do not count toward it. Last evaluated 2026-02-04.

Conditions:
Hereditary cancer-predisposing syndrome. Also called: Hereditary Cancer Syndrome; Neoplastic Syndromes, Hereditary; Hereditary neoplastic syndrome; Tumor predisposition. Identifiers: Orphanet 140162, MedGen C0027672, MeSH D009386, MONDO:0015356.
POLD1-related disorder. Also called: POLD1-related condition; POLD1-related disorders.
POLD1-related polyposis and colorectal cancer syndrome (CRCS10). Also called: COLORECTAL CANCER, SUSCEPTIBILITY TO, ON CHROMOSOME 19q; Colorectal cancer 10; Colorectal cancer, susceptibility to, 10. Identifiers: Orphanet 220460, MedGen C2675481, MONDO:0012953, OMIM 612591.

Allele frequency attached by ClinVar (database versions not stated): gnomAD below 0.00001 and 0.00009; TOPMed 0.00002; gnomAD exomes 0.00014 and 0.00047; 1000 Genomes Project 30x 0.00031; 1000 Genomes Project 0.00040; ExAC 0.00126.
gnomAD v4.1: 220 of 1,561,070 alleles (0.014%); highest among the groups gnomAD compares: South Asian, 0.24%; 1 homozygote.

Submissions (11):

Labcorp Genetics (formerly Invitae), Labcorp
Classification: Benign for POLD1-related polyposis and colorectal cancer syndrome. Last evaluated: 2026-02-04. Review status: criteria provided, single submitter. Criteria: Invitae Variant Classification Sherloc (09022015). Collection method: clinical testing. Allele origin: germline.

Center for Genomic Medicine, Rigshospitalet, Copenhagen University Hospital
Classification: Likely benign. Last evaluated: 2025-03-04. Review status: criteria provided, single submitter. Criteria: ACMG Guidelines, 2015. Collection method: clinical testing. Allele origin: germline.

Blueprint Genetics
Classification: Likely benign. Last evaluated: 2024-07-02. Review status: criteria provided, single submitter. Criteria: ACMG Guidelines, 2015. Collection method: clinical testing. Allele origin: germline.

KCCC/NGS Laboratory, Kuwait Cancer Control Center
Classification: Benign for POLD1-related polyposis and colorectal cancer syndrome. Last evaluated: 2023-07-07. Review status: criteria provided, single submitter. Criteria: ACMG Guidelines, 2015. Collection method: clinical testing. Allele origin: germline. Affected: yes.

Myriad Genetics, Inc.
Classification: Uncertain significance for POLD1-related polyposis and colorectal cancer syndrome. Last evaluated: 2023-04-19. Review status: criteria provided, single submitter. Criteria: Myriad Autosomal Dominant, Autosomal Recessive and X-Linked Classification Criteria (2023). Collection method: clinical testing. Allele origin: unknown.
Comment: This variant is classified as a variant of uncertain significance as there is insufficient evidence to determine its impact on protein function and/or cancer risk.

GeneDx
Classification: Likely benign. Last evaluated: 2021-05-10. Review status: criteria provided, single submitter. Criteria: GeneDx Variant Classification Process June 2021. Collection method: clinical testing. Allele origin: germline. Affected: yes.

Sema4
Classification: Benign for Hereditary cancer-predisposing syndrome. Last evaluated: 2020-12-31. Review status: criteria provided, single submitter. Criteria: Sema4 Curation Guidelines. Collection method: curation. Allele origin: germline.

Quest Diagnostics Nichols Institute San Juan Capistrano
Classification: Benign. Last evaluated: 2019-03-29. Review status: criteria provided, single submitter. Criteria: Quest Diagnostics criteria. Collection method: clinical testing. Allele origin: germline.

Ambry Genetics
Classification: Likely benign for Hereditary cancer-predisposing syndrome. Last evaluated: 2018-11-14. Review status: criteria provided, single submitter. Criteria: Ambry Variant Classification Scheme 2023. Collection method: clinical testing. Allele origin: germline.

PreventionGenetics, part of Exact Sciences
Classification: Likely benign for POLD1-related condition. Last evaluated: 2019-02-18. Review status: no assertion criteria provided. Collection method: clinical testing. Allele origin: germline. Not counted in ClinVar's aggregate classification.
Comment: This variant is classified as likely benign based on ACMG/AMP sequence variant interpretation guidelines (Richards et al. 2015 PMID: 25741868, with internal and published modifications).

Counsyl
Classification: Likely benign for POLD1-related polyposis and colorectal cancer syndrome. Last evaluated: 2017-11-24. Review status: no assertion criteria provided. Collection method: clinical testing. Allele origin: unknown. Not counted in ClinVar's aggregate classification.

NM_002691.4(POLD1):c.1494+5C>T

Gene: POLD1 (DNA polymerase delta 1, catalytic subunit; plus strand). Cytogenetic location: 19q13.33.
Variant type: single nucleotide variant.
Coding change: c.1494+5C>T on transcript NM_002691.4 (MANE Select); 5 bases into the intron after coding-DNA position 1494, C replaced by T.
Molecular consequence: intron variant.
Genome position (GRCh38, 1-based): chr19:50,406,522, C>T. VCF-style: chr19-50406522-C-T. GRCh37 (hg19) VCF-style: chr19-50909779-C-T.
Other names: c.1494+5C>T (LRG_785t2, LRG_785t1, NM_001308632.1 and 1 more transcripts).
Identifiers: ClinVar variation 239239 (VCV000239239.26), dbSNP rs565428379, ClinGen allele CA9596148.